The following is an entry in ClinVar:

NM_001540.5(HSPB1):c.52C>T (p.Pro18Ser)

Gene: HSPB1 (heat shock protein family B (small) member 1; plus strand). Cytogenetic location: 7q11.23.
Variant type: single nucleotide variant.
Coding change: c.52C>T on transcript NM_001540.5 (MANE Select); coding-DNA position 52, C replaced by T.
Protein change: p.Pro18Ser; replaces proline 18 with serine.
Molecular consequence: missense variant.
Genome position (GRCh38, 1-based): chr7:76,302,764, C>T. VCF-style: chr7-76302764-C-T. GRCh37 (hg19) VCF-style: chr7-75932081-C-T.
Other names: short protein forms P18S.
Identifiers: ClinVar variation 1052458 (VCV001052458.9), dbSNP rs1803014417, ClinGen allele CA367762796.

ClinVar aggregate classification (germline): Uncertain significance (1 of 4 stars; one submission).

Conditions:
Charcot-Marie-Tooth disease axonal type 2F (CMT2F). Also called: CHARCOT-MARIE-TOOTH DISEASE, NEURONAL, TYPE 2F; Charcot-Marie-Tooth Neuropathy Type 2F. Identifiers: Orphanet 99940, MedGen C1847823, MONDO:0011687, OMIM 606595.

Allele frequency attached by ClinVar (database versions not stated): TOPMed below 0.00001.

Submission:

Labcorp Genetics (formerly Invitae), Labcorp
Classification: Uncertain significance for Charcot-Marie-Tooth disease axonal type 2F. Last evaluated: 2024-10-15. Review status: criteria provided, single submitter. Criteria: Invitae Variant Classification Sherloc (09022015). Collection method: clinical testing. Allele origin: germline.
Comment: This sequence change replaces proline, which is neutral and non-polar, with serine, which is neutral and polar, at codon 18 of the HSPB1 protein (p.Pro18Ser). This variant is not present in population databases (gnomAD no frequency). This variant has not been reported in the literature in individuals affected with HSPB1-related conditions. ClinVar contains an entry for this variant (Variation ID: 1052458). Invitae Evidence Modeling of protein sequence and biophysical properties (such as structural, functional, and spatial information, amino acid conservation, physicochemical variation, residue mobility, and thermodynamic stability) indicates that this missense variant is expected to disrupt HSPB1 protein function with a positive predictive value of 80%. In summary, the available evidence is currently insufficient to determine the role of this variant in disease. Therefore, it has been classified as a Variant of Uncertain Significance.